The following is an entry in ClinVar:

NM_006757.4(TNNT3):c.617C>T (p.Thr206Ile)

Gene: TNNT3 (troponin T3, fast skeletal type; plus strand). Cytogenetic location: 11p15.5.
Variant type: single nucleotide variant.
Coding change: c.617C>T on transcript NM_006757.4 (MANE Select); coding-DNA position 617, C replaced by T.
Protein change: p.Thr206Ile; replaces threonine 206 with isoleucine.
Molecular consequence: missense variant.
Genome position (GRCh38, 1-based): chr11:1,934,855, C>T. VCF-style: chr11-1934855-C-T. GRCh37 (hg19) VCF-style: chr11-1956085-C-T.
Other names: c.593C>T, p.Thr198Ile (NM_001042780.3, NM_001042782.3, NM_001297646.2 and 2 more transcripts); c.611C>T, p.Thr204Ile (NM_001042781.3, NM_001367842.1, NM_001367843.1); c.626C>T, p.Thr209Ile (NM_001363561.2, NM_001367847.1); c.650C>T, p.Thr217Ile (NM_001367846.1); c.614C>T, p.Thr205Ile (NM_001367848.1); c.605C>T, p.Thr202Ile (NM_001367849.1); c.560C>T, p.Thr187Ile (NM_001367850.1); c.413C>T, p.Thr138Ile (NM_001367851.1, NM_001367852.1); short protein forms T198I, T206I, T217I, T138I, T204I, T202I, T209I, T187I.
Identifiers: ClinVar variation 1933742 (VCV001933742.5), dbSNP rs1424952733, ClinGen allele CA379098866.
Genomic context (GRCh38, chr11:1,934,855, plus strand): 5'-ATTCAACGAAGCCTCACCACTTCCTCTGCCCCAGGGACAAGGCCAAGGAGCTCTGGGAGA[C>T]CCTGCACCAGCTGGAGATTGACAAGTTCGAGTTTGGGGAGAAGCTGAAACGCCAGAAATA-3'
Protein context (NP_006748.1, residues 196-216): LRDKAKELWE[Thr206Ile]LHQLEIDKFE

ClinVar aggregate classification (germline): Uncertain significance (1 of 4 stars; one submission).

gnomAD v4.1: 2 of 1,613,620 alleles (0.00012%); highest among the groups gnomAD compares: Non-Finnish European, 0.00017%; no homozygotes.

Submission:

Labcorp Genetics (formerly Invitae), Labcorp
Classification: Uncertain significance. Last evaluated: 2025-02-10. Review status: criteria provided, single submitter. Criteria: Invitae Variant Classification Sherloc (09022015). Collection method: clinical testing. Allele origin: germline.
Comment: This sequence change replaces threonine, which is neutral and polar, with isoleucine, which is neutral and non-polar, at codon 206 of the TNNT3 protein (p.Thr206Ile). This variant is present in population databases (no rsID available, gnomAD 0.0009%). This variant has not been reported in the literature in individuals affected with TNNT3-related conditions. ClinVar contains an entry for this variant (Variation ID: 1933742). An algorithm developed to predict the effect of missense changes on protein structure and function (PolyPhen-2) suggests that this variant is likely to be tolerated. In summary, the available evidence is currently insufficient to determine the role of this variant in disease. Therefore, it has been classified as a Variant of Uncertain Significance.